The following is an entry in ClinVar:

ClinVar aggregate classification (germline): Uncertain significance (1 of 4 stars; one submission).

Submission:

Labcorp Genetics (formerly Invitae), Labcorp
Classification: Uncertain significance. Last evaluated: 2024-11-27. Review status: criteria provided, single submitter. Criteria: Invitae Variant Classification Sherloc (09022015). Collection method: clinical testing. Allele origin: germline.
Comment: This sequence change falls in intron 27 of the COL11A1 gene. It does not directly change the encoded amino acid sequence of the COL11A1 protein. It affects a nucleotide within the consensus splice site. This variant is not present in population databases (gnomAD no frequency). This variant has not been reported in the literature in individuals affected with COL11A1-related conditions. Variants that disrupt the consensus splice site are a relatively common cause of aberrant splicing (PMID: 17576681, 9536098). Algorithms developed to predict the effect of sequence changes on RNA splicing suggest that this variant is not likely to affect RNA splicing. In summary, the available evidence is currently insufficient to determine the role of this variant in disease. Therefore, it has been classified as a Variant of Uncertain Significance.

Literature cited by the submitters: PubMed 17576681; PubMed 9536098.

NM_001854.4(COL11A1):c.2295+5C>A

Gene: COL11A1 (collagen type XI alpha 1 chain; minus strand). Cytogenetic location: 1p21.1.
Variant type: single nucleotide variant.
Coding change: c.2295+5C>A on transcript NM_001854.4 (MANE Select); 5 bases into the intron after coding-DNA position 2295, C replaced by A.
Molecular consequence: intron variant.
Genome position (GRCh38, 1-based): chr1:102,995,984, G>T on the plus strand (C>A on the coding strand, the complement: COL11A1 is on the minus strand). VCF-style: chr1-102995984-G-T. GRCh37 (hg19) VCF-style: chr1-103461540-G-T.
Other names: c.2178+5C>A (NM_001190709.2); c.2331+5C>A (NM_080629.3); c.1947+5C>A (NM_080630.4).
Identifiers: ClinVar variation 3726194 (VCV003726194.2).
Genomic context (GRCh38, chr1:102,995,984, plus strand): 5'-GAAGTATTAAGTGAATATAACATTTCACTTTGAAAGTAAATAATGTGAAAACAATTTAAC[G>T]TTACCTTTACTCCCCGGGGGCCCGGGTATCCAATAGGACCTTGTGGACCAGGGGGACCCT-3'